The following is an entry in ClinVar:

NM_022367.4(SEMA4A):c.1439C>T (p.Ala480Val)

Gene: SEMA4A (semaphorin 4A; plus strand). Cytogenetic location: 1q22.
Variant type: single nucleotide variant.
Coding change: c.1439C>T on transcript NM_022367.4 (MANE Select); coding-DNA position 1439, C replaced by T.
Protein change: p.Ala480Val; replaces alanine 480 with valine.
Molecular consequence: missense variant.
Genome position (GRCh38, 1-based): chr1:156,175,090, C>T. VCF-style: chr1-156175090-C-T. GRCh37 (hg19) VCF-style: chr1-156144881-C-T.
Other names: c.1439C>T, p.Ala480Val (NM_001193300.2, NM_001193301.2, NM_001370567.1); c.1043C>T, p.Ala348Val (NM_001193302.2); c.1142C>T, p.Ala381Val (NM_001370568.1); c.932C>T, p.Ala311Val (NM_001370569.1, NM_001370571.1); short protein forms A480V, A311V, A348V, A381V.
Identifiers: ClinVar variation 2078126 (VCV002078126.4), dbSNP rs1036771578, ClinGen allele CA31002926.

ClinVar aggregate classification (germline): Uncertain significance (1 of 4 stars; one submission).

Allele frequency attached by ClinVar (database versions not stated): gnomAD 0.00001; TOPMed 0.00001; gnomAD exomes 0.00001.
gnomAD v4.1: 7 of 1,614,052 alleles (0.00043%); highest among the groups gnomAD compares: African/African-American, 0.0013%; no homozygotes.

Submission:

Labcorp Genetics (formerly Invitae), Labcorp
Classification: Uncertain significance. Last evaluated: 2021-12-22. Review status: criteria provided, single submitter. Criteria: Invitae Variant Classification Sherloc (09022015). Collection method: clinical testing. Allele origin: germline.
Comment: This variant has not been reported in the literature in individuals affected with SEMA4A-related conditions. This variant is not present in population databases (gnomAD no frequency). This sequence change replaces alanine, which is neutral and non-polar, with valine, which is neutral and non-polar, at codon 480 of the SEMA4A protein (p.Ala480Val). Algorithms developed to predict the effect of missense changes on protein structure and function (SIFT, PolyPhen-2, Align-GVGD) all suggest that this variant is likely to be tolerated. In summary, the available evidence is currently insufficient to determine the role of this variant in disease. Therefore, it has been classified as a Variant of Uncertain Significance.